The following is an entry in ClinVar:

NM_004260.4(RECQL4):c.1702A>G (p.Lys568Glu)

Gene: RECQL4 (RecQ like helicase 4; minus strand). Cytogenetic location: 8q24.3.
Variant type: single nucleotide variant.
Coding change: c.1702A>G on transcript NM_004260.4 (MANE Select); coding-DNA position 1702, A replaced by G.
Protein change: p.Lys568Glu; replaces lysine 568 with glutamic acid.
Molecular consequence: missense variant.
Genome position (GRCh38, 1-based): chr8:144,514,444, T>C on the plus strand (A>G on the coding strand, the complement: RECQL4 is on the minus strand). VCF-style: chr8-144514444-T-C. GRCh37 (hg19) VCF-style: chr8-145739828-T-C.
Other names: short protein forms K568E.
Identifiers: ClinVar variation 848159 (VCV000848159.6), dbSNP rs1222844262, ClinGen allele CA372681486.

ClinVar aggregate classification (germline): Uncertain significance. Review status: criteria provided, multiple submitters, no conflicts (2 of 4 stars). 2 submissions from 2 submitters: Uncertain significance (2). Last evaluated 2025-02-10.

Conditions:
Inborn genetic diseases. Identifiers: MedGen C0950123, MeSH D030342.
Baller-Gerold syndrome (BGS). Also called: CRANIOSYNOSTOSIS WITH RADIAL DEFECTS. Identifiers: Orphanet 1225, MedGen C0265308, MONDO:0009039, OMIM 218600.

Allele frequency attached by ClinVar (database versions not stated): gnomAD exomes below 0.00001; TOPMed below 0.00001.
gnomAD v4.1: 1 of 1,611,470 alleles (0.000062%); highest among the groups gnomAD compares: Non-Finnish European, 0.000085%; no homozygotes.

Submissions (2):

Labcorp Genetics (formerly Invitae), Labcorp
Classification: Uncertain significance for Baller-Gerold syndrome. Last evaluated: 2025-02-10. Review status: criteria provided, single submitter. Criteria: Invitae Variant Classification Sherloc (09022015). Collection method: clinical testing. Allele origin: germline.
Comment: This sequence change replaces lysine, which is basic and polar, with glutamic acid, which is acidic and polar, at codon 568 of the RECQL4 protein (p.Lys568Glu). This variant is not present in population databases (gnomAD no frequency). This variant has not been reported in the literature in individuals affected with RECQL4-related conditions. ClinVar contains an entry for this variant (Variation ID: 848159). Experimental studies and prediction algorithms are not available or were not evaluated, and the functional significance of this variant is currently unknown. In summary, the available evidence is currently insufficient to determine the role of this variant in disease. Therefore, it has been classified as a Variant of Uncertain Significance.

Ambry Genetics
Classification: Uncertain significance for Inborn genetic diseases. Last evaluated: 2025-01-07. Review status: criteria provided, single submitter. Criteria: Ambry Variant Classification Scheme 2023. Collection method: clinical testing. Allele origin: germline.
Comment: The p.K568E variant (also known as c.1702A>G), located in coding exon 10 of the RECQL4 gene, results from an A to G substitution at nucleotide position 1702. The lysine at codon 568 is replaced by glutamic acid, an amino acid with similar properties. This amino acid position is conserved. In addition, the in silico prediction for this alteration is inconclusive. Based on the available evidence, the clinical significance of this variant remains unclear.